The following is an entry in ClinVar:

NM_001379659.1(ZNF142):c.3721A>C (p.Ile1241Leu)

Gene: ZNF142 (zinc finger protein 142; minus strand). Cytogenetic location: 2q35.
Variant type: single nucleotide variant.
Coding change: c.3721A>C on transcript NM_001379659.1 (MANE Select); coding-DNA position 3721, A replaced by C.
Protein change: p.Ile1241Leu; replaces isoleucine 1241 with leucine.
Molecular consequence: missense variant.
Genome position (GRCh38, 1-based): chr2:218,643,395, T>G on the plus strand (A>C on the coding strand, the complement: ZNF142 is on the minus strand). VCF-style: chr2-218643395-T-G. GRCh37 (hg19) VCF-style: chr2-219508118-T-G.
Other names: c.3121A>C, p.Ile1041Leu (NM_001105537.5, NM_001366291.3, NM_001379662.1); c.2632A>C, p.Ile878Leu (NM_001366287.3, NM_001366288.3, NM_001366289.3); c.3721A>C, p.Ile1241Leu (NM_001366290.3, NM_001379660.1, NM_001379661.1); short protein forms I1041L, I1241L, I878L.
Identifiers: ClinVar variation 1712591 (VCV001712591.3), dbSNP rs202023725, ClinGen allele CA2108939.

ClinVar aggregate classification (germline): Uncertain significance (1 of 4 stars; one submission).

Allele frequency attached by ClinVar (database versions not stated): ESP Exome Variant Server 0.00083.
gnomAD v4.1: 752 of 1,613,944 alleles (0.047%); highest among the groups gnomAD compares: Non-Finnish European, 0.062%; no homozygotes.

Submission:

GeneDx
Classification: Uncertain significance. Last evaluated: 2024-07-13. Review status: criteria provided, single submitter. Criteria: GeneDx Variant Classification Process June 2021. Collection method: clinical testing. Allele origin: germline.
Comment: In silico analysis supports that this missense variant does not alter protein structure/function; Has not been previously published as pathogenic or benign to our knowledge